The following is an entry in ClinVar:

ClinVar aggregate classification (germline): Uncertain significance (1 of 4 stars; one submission).

Conditions:
Ullrich congenital muscular dystrophy 2 (UCMD2). Identifiers: Orphanet 75840, MedGen C4225314, MONDO:0014654, OMIM 616470.
Bethlem myopathy 2 (BTHLM2). Identifiers: Orphanet 536516, Orphanet 610, MedGen C4225313, MONDO:0034022, OMIM 616471.

Allele frequency attached by ClinVar (database versions not stated): gnomAD exomes 0.00001.
gnomAD v4.1: 5 of 1,613,798 alleles (0.00031%); highest among the groups gnomAD compares: East Asian, 0.011%; no homozygotes.

Submission:

Labcorp Genetics (formerly Invitae), Labcorp
Classification: Uncertain significance for Bethlem myopathy 2; Ullrich congenital muscular dystrophy 2. Last evaluated: 2018-06-11. Review status: criteria provided, single submitter. Criteria: Invitae Variant Classification Sherloc (09022015). Collection method: clinical testing. Allele origin: germline.
Comment: This variant is not present in population databases (ExAC no frequency). This sequence change replaces asparagine with lysine at codon 1849 of the COL12A1 protein (p.Asn1849Lys). The asparagine residue is moderately conserved and there is a moderate physicochemical difference between asparagine and lysine. In summary, the available evidence is currently insufficient to determine the role of this variant in disease. Therefore, it has been classified as a Variant of Uncertain Significance. Algorithms developed to predict the effect of missense changes on protein structure and function are either unavailable or do not agree on the potential impact of this missense change (SIFT: "Deleterious"; PolyPhen-2: "Probably Damaging"; Align-GVGD: "Class C0"). This variant has not been reported in the literature in individuals with COL12A1-related disease.

NM_004370.6(COL12A1):c.5547C>A (p.Asn1849Lys)

Gene: COL12A1 (collagen type XII alpha 1 chain; minus strand). Cytogenetic location: 6q13.
Variant type: single nucleotide variant.
Coding change: c.5547C>A on transcript NM_004370.6 (MANE Select); coding-DNA position 5547, C replaced by A.
Protein change: p.Asn1849Lys; replaces asparagine 1849 with lysine.
Molecular consequence: missense variant.
Genome position (GRCh38, 1-based): chr6:75,133,975, G>T on the plus strand (C>A on the coding strand, the complement: COL12A1 is on the minus strand). VCF-style: chr6-75133975-G-T. GRCh37 (hg19) VCF-style: chr6-75843691-G-T.
Other names: c.2055C>A, p.Asn685Lys (NM_080645.3); short protein forms N1849K, N685K.
Identifiers: ClinVar variation 580588 (VCV000580588.9), dbSNP rs1235141094, ClinGen allele CA364735443.